The following is an entry in ClinVar:

ClinVar aggregate classification (germline): Uncertain significance. Review status: criteria provided, multiple submitters, no conflicts (2 of 4 stars). 2 submissions from 2 submitters: Uncertain significance (2). Last evaluated 2024-02-19.

Conditions:
Familial cancer of breast. Also called: BREAST CANCER, FAMILIAL; Hereditary breast cancer; hereditary breast carcinoma. Identifiers: Orphanet 227535, MedGen C0346153, MONDO:0016419, OMIM 114480. Disease mechanism: loss of function.
Hereditary cancer-predisposing syndrome. Also called: Tumor predisposition; Hereditary neoplastic syndrome; Neoplastic Syndromes, Hereditary; Hereditary Cancer Syndrome. Identifiers: Orphanet 140162, MedGen C0027672, MeSH D009386, MONDO:0015356.

Submissions (2):

Ambry Genetics
Classification: Uncertain significance for Hereditary cancer-predisposing syndrome. Last evaluated: 2024-02-19. Review status: criteria provided, single submitter. Criteria: Ambry Variant Classification Scheme 2023. Collection method: clinical testing. Allele origin: germline.
Comment: The p.Y113H variant (also known as c.337T>C), located in coding exon 2 of the CHEK2 gene, results from a T to C substitution at nucleotide position 337. The tyrosine at codon 113 is replaced by histidine, an amino acid with similar properties. This amino acid position is highly conserved in available vertebrate species. In addition, this alteration is predicted to be deleterious by in silico analysis. Based on the available evidence, the clinical significance of this alteration remains unclear.

Labcorp Genetics (formerly Invitae), Labcorp
Classification: Uncertain significance for Familial cancer of breast. Last evaluated: 2020-08-25. Review status: criteria provided, single submitter. Criteria: Invitae Variant Classification Sherloc (09022015). Collection method: clinical testing. Allele origin: germline.
Comment: This sequence change replaces tyrosine with histidine at codon 113 of the CHEK2 protein (p.Tyr113His). The tyrosine residue is highly conserved and there is a moderate physicochemical difference between tyrosine and histidine. This variant is not present in population databases (ExAC no frequency). This variant has not been reported in the literature in individuals with CHEK2-related conditions. Algorithms developed to predict the effect of missense changes on protein structure and function (SIFT, PolyPhen-2, Align-GVGD) all suggest that this variant is likely to be disruptive, but these predictions have not been confirmed by published functional studies and their clinical significance is uncertain. In summary, the available evidence is currently insufficient to determine the role of this variant in disease. Therefore, it has been classified as a Variant of Uncertain Significance.

NM_007194.4(CHEK2):c.337T>C (p.Tyr113His)

Gene: CHEK2 (checkpoint kinase 2; minus strand). Cytogenetic location: 22q12.1.
Variant type: single nucleotide variant.
Coding change: c.337T>C on transcript NM_007194.4 (MANE Select); coding-DNA position 337, T replaced by C.
Protein change: p.Tyr113His; replaces tyrosine 113 with histidine.
Molecular consequence: missense variant.
Genome position (GRCh38, 1-based): chr22:28,725,350, A>G on the plus strand (T>C on the coding strand, the complement: CHEK2 is on the minus strand). VCF-style: chr22-28725350-A-G. GRCh37 (hg19) VCF-style: chr22-29121338-A-G.
Other names: c.466T>C, p.Tyr156His (NM_001005735.3); c.-441T>C (NM_001257387.3); c.337T>C, p.Tyr113His (NM_001349956.3, NM_145862.3); short protein forms Y113H, Y156H.
Identifiers: ClinVar variation 1007317 (VCV001007317.10), dbSNP rs1601826109, ClinGen allele CA411108237.